The following is an entry in ClinVar:

NM_020320.5(RARS2):c.536-115C>T

Gene: RARS2 (arginyl-tRNA synthetase 2, mitochondrial; minus strand). Cytogenetic location: 6q15.
Variant type: single nucleotide variant.
Coding change: c.536-115C>T on transcript NM_020320.5 (MANE Select); 115 bases into the intron before coding-DNA position 536, C replaced by T.
Molecular consequence: intron variant.
Genome position (GRCh38, 1-based): chr6:87,542,109, G>A on the plus strand (C>T on the coding strand, the complement: RARS2 is on the minus strand). VCF-style: chr6-87542109-G-A. GRCh37 (hg19) VCF-style: chr6-88251827-G-A.
Other names: c.536-115C>T (NM_001350505.2); c.11-115C>T (NM_001350509.2, NM_001318785.2, NM_001350506.2 and 4 more transcripts).
Identifiers: ClinVar variation 674449 (VCV000674449.1), dbSNP rs75592308, ClinGen allele CA15430738.

ClinVar aggregate classification (germline): Benign (1 of 4 stars; one submission).

Allele frequency attached by ClinVar (database versions not stated): TOPMed 0.06704; gnomAD 0.06937 and 0.07069; 1000 Genomes Project 0.07668; 1000 Genomes Project 30x 0.07698; gnomAD exomes 0.07842.
gnomAD v4.1: 60,366 of 784,852 alleles (7.7%); highest among the groups gnomAD compares: East Asian, 9.4%; 2,483 homozygotes.

Submission:

GeneDx
Classification: Benign. Last evaluated: 2018-06-14. Review status: criteria provided, single submitter. Criteria: GeneDx Variant Classification (06012015). Collection method: clinical testing. Allele origin: germline. Affected: yes.
Comment: This variant is considered likely benign or benign based on one or more of the following criteria: it is a conservative change, it occurs at a poorly conserved position in the protein, it is predicted to be benign by multiple in silico algorithms, and/or has population frequency not consistent with disease.